The following is an entry in ClinVar:

ClinVar aggregate classification (germline): Likely benign. Review status: criteria provided, single submitter (1 of 4 stars). 2 submissions from 2 submitters: Likely benign (1). 1 of the submissions does not count toward it. Last evaluated 2023-07-10.

Conditions:
AKAP9-related disorder. Also called: AKAP9-related condition.
Long QT syndrome (LQTS). Identifiers: MedGen C0023976, MeSH D008133, MONDO:0002442. Disease mechanism: loss of function. Inheritance: Various modes of inheritance.

Submissions (2):

Labcorp Genetics (formerly Invitae), Labcorp
Classification: Likely benign for Long QT syndrome. Last evaluated: 2023-07-10. Review status: criteria provided, single submitter. Criteria: Invitae Variant Classification Sherloc (09022015). Collection method: clinical testing. Allele origin: germline.

PreventionGenetics, part of Exact Sciences
Classification: Likely benign for AKAP9-related condition. Last evaluated: 2022-05-11. Review status: no assertion criteria provided. Collection method: clinical testing. Allele origin: germline. Not counted in ClinVar's aggregate classification.
Comment: This variant is classified as likely benign based on ACMG/AMP sequence variant interpretation guidelines (Richards et al. 2015 PMID: 25741868, with internal and published modifications).

NM_005751.5(AKAP9):c.10897-10G>T

Gene: AKAP9 (A-kinase anchoring protein 9; plus strand). Cytogenetic location: 7q21.2.
Variant type: single nucleotide variant.
Coding change: c.10897-10G>T on transcript NM_005751.5 (MANE Select); 10 bases into the intron before coding-DNA position 10897, G replaced by T.
Molecular consequence: intron variant.
Genome position (GRCh38, 1-based): chr7:92,100,846, G>T. VCF-style: chr7-92100846-G-T. GRCh37 (hg19) VCF-style: chr7-91730160-G-T.
Other names: c.10897-10G>T (NM_005751.4); c.10873-10G>T (NM_147185.3); c.5542-10G>T (NM_001379277.1).
Identifiers: ClinVar variation 2849981 (VCV002849981.5), dbSNP rs772513653, ClinGen allele CA4338053.